The following is an entry in ClinVar:

NM_003846.3(PEX11B):c.142C>G (p.Leu48Val)

Gene: PEX11B (peroxisomal biogenesis factor 11 beta; minus strand). Cytogenetic location: 1q21.1.
Variant type: single nucleotide variant.
Coding change: c.142C>G on transcript NM_003846.3 (MANE Select); coding-DNA position 142, C replaced by G.
Protein change: p.Leu48Val; replaces leucine 48 with valine.
Molecular consequence: missense variant. On other transcripts: non-coding transcript variant (3).
Genome position (GRCh38, 1-based): chr1:145,917,731, G>C on the plus strand (C>G on the coding strand, the complement: PEX11B is on the minus strand). VCF-style: chr1-145917731-G-C. GRCh37 (hg19) VCF-style: chr1-145517358-C-G.
Other names: c.100C>G, p.Leu34Val (NM_001184795.1); short protein forms L34V, L48V.
Identifiers: ClinVar variation 1007985 (VCV001007985.6), dbSNP rs782032329, ClinGen allele CA1055515.

ClinVar aggregate classification (germline): Uncertain significance (1 of 4 stars; one submission).

Allele frequency attached by ClinVar (database versions not stated): gnomAD 0.00002; ExAC 0.00002; TOPMed 0.00004.
gnomAD v4.1: 37 of 1,610,330 alleles (0.0023%); highest among the groups gnomAD compares: Non-Finnish European, 0.0031%; no homozygotes.

Submission:

Labcorp Genetics (formerly Invitae), Labcorp
Classification: Uncertain significance. Last evaluated: 2021-08-27. Review status: criteria provided, single submitter. Criteria: Invitae Variant Classification Sherloc (09022015). Collection method: clinical testing. Allele origin: germline.
Comment: This sequence change replaces leucine with valine at codon 48 of the PEX11B protein (p.Leu48Val). The leucine residue is highly conserved and there is a small physicochemical difference between leucine and valine. This variant is present in population databases (rs782032329, ExAC 0.003%). This variant has not been reported in the literature in individuals affected with PEX11B-related conditions. Algorithms developed to predict the effect of missense changes on protein structure and function are either unavailable or do not agree on the potential impact of this missense change (SIFT: "Tolerated"; PolyPhen-2: "Probably Damaging"; Align-GVGD: "Class C0"). In summary, the available evidence is currently insufficient to determine the role of this variant in disease. Therefore, it has been classified as a Variant of Uncertain Significance.